The following is an entry in ClinVar:

ClinVar aggregate classification (germline): Conflicting classifications of pathogenicity. Review status: criteria provided, conflicting classifications (1 of 4 stars). 8 submissions from 8 submitters: Uncertain significance (3); Likely benign (4). 1 of the submissions does not count toward it. Last evaluated 2026-06-01.

Conditions:
EVC2-related disorder. Also called: EVC2-related condition.
Inborn genetic diseases. Identifiers: MedGen C0950123, MeSH D030342.
Ellis-van Creveld syndrome (EVC). Also called: Chondroectodermal dysplasia; MESOECTODERMAL DYSPLASIA. Identifiers: Orphanet 289, MedGen C0013903, MONDO:0009162, OMIM 225500.
Curry-Hall syndrome (WAD). Also called: WEYERS ACRODENTAL DYSOSTOSIS. Identifiers: Orphanet 952, MedGen C0457013, MONDO:0008673, OMIM 193530.

Allele frequency attached by ClinVar (database versions not stated): gnomAD exomes 0.00055 and 0.00129; gnomAD 0.00085 and 0.00093; 1000 Genomes Project 30x 0.00094; 1000 Genomes Project 0.00100; TOPMed 0.00121; ExAC 0.00145.
gnomAD v4.1: 950 of 1,503,748 alleles (0.063%); highest among the groups gnomAD compares: Middle Eastern, 0.5%; 4 homozygotes.

Submissions (8):

CeGaT Center for Human Genetics Tuebingen
Classification: Likely benign. Last evaluated: 2026-06-01. Review status: criteria provided, single submitter. Criteria: CeGaT Center For Human Genetics Tuebingen Variant Classification Criteria Version 2. Collection method: clinical testing. Allele origin: germline. Affected: yes. Observed: 1 variant allele.
Comment: EVC2: BS1

Labcorp Genetics (formerly Invitae), Labcorp
Classification: Likely benign for Curry-Hall syndrome; Ellis-van Creveld syndrome. Last evaluated: 2026-01-26. Review status: criteria provided, single submitter. Criteria: Invitae Variant Classification Sherloc (09022015). Collection method: clinical testing. Allele origin: germline.

Blueprint Genetics
Classification: Likely benign. Last evaluated: 2024-11-11. Review status: criteria provided, single submitter. Criteria: ACMG Guidelines, 2015. Collection method: clinical testing. Allele origin: germline.

ARUP Laboratories, Molecular Genetics and Genomics, ARUP Laboratories
Classification: Uncertain significance. Last evaluated: 2023-11-22. Review status: criteria provided, single submitter. Criteria: ARUP Molecular Germline Variant Investigation Process 2024. Collection method: clinical testing. Allele origin: germline.

Ambry Genetics
Classification: Uncertain significance for Inborn genetic diseases. Last evaluated: 2022-09-29. Review status: criteria provided, single submitter. Criteria: Ambry Variant Classification Scheme 2023. Collection method: clinical testing. Allele origin: germline.

Illumina Laboratory Services, Illumina
Classification: Likely benign for Ellis-van Creveld syndrome. Last evaluated: 2018-01-12. Review status: criteria provided, single submitter. Criteria: ICSL Variant Classification Criteria 13 December 2019. Collection method: clinical testing. Allele origin: germline.
Comment: This variant was observed in the ICSL laboratory as part of a predisposition screen in an ostensibly healthy population. It had not been previously curated by ICSL or reported in the Human Gene Mutation Database (HGMD: prior to June 1st, 2018), and was therefore a candidate for classification through an automated scoring system. Utilizing variant allele frequency, disease prevalence and penetrance estimates, and inheritance mode, an automated score was calculated to assess if this variant is too frequent to cause the disease. Based on the score and internal cut-off values, a variant classified as likely benign is not then subjected to further curation. The score for this variant resulted in a classification of likely benign for this disease.

Eurofins Ntd Llc (ga)
Classification: Uncertain significance. Last evaluated: 2015-12-21. Review status: criteria provided, single submitter. Criteria: EGL Classification Definitions 2015. Collection method: clinical testing. Allele origin: germline. Observed: 1 variant allele, 1 heterozygote.

PreventionGenetics, part of Exact Sciences
Classification: Likely benign for EVC2-related condition. Last evaluated: 2020-04-15. Review status: no assertion criteria provided. Collection method: clinical testing. Allele origin: germline. Not counted in ClinVar's aggregate classification.
Comment: This variant is classified as likely benign based on ACMG/AMP sequence variant interpretation guidelines (Richards et al. 2015 PMID: 25741868, with internal and published modifications).

NM_147127.5(EVC2):c.92T>C (p.Leu31Pro)

Gene: EVC2 (EvC ciliary complex subunit 2; minus strand). Cytogenetic location: 4p16.2.
Variant type: single nucleotide variant.
Coding change: c.92T>C on transcript NM_147127.5 (MANE Select); coding-DNA position 92, T replaced by C.
Protein change: p.Leu31Pro; replaces leucine 31 with proline.
Molecular consequence: missense variant. On other transcripts: intron variant (1).
Genome position (GRCh38, 1-based): chr4:5,708,422, A>G on the plus strand (T>C on the coding strand, the complement: EVC2 is on the minus strand). VCF-style: chr4-5708422-A-G. GRCh37 (hg19) VCF-style: chr4-5710149-A-G.
Other names: c.-13+407T>C (NM_001166136.2); short protein forms L31P.
Identifiers: ClinVar variation 285109 (VCV000285109.33), dbSNP rs557830930, ClinGen allele CA2835557.